The following is an entry in ClinVar:

NM_001851.6(COL9A1):c.7A>T (p.Thr3Ser)

Gene: COL9A1 (collagen type IX alpha 1 chain; minus strand). Cytogenetic location: 6q13.
Variant type: single nucleotide variant.
Coding change: c.7A>T on transcript NM_001851.6 (MANE Select); coding-DNA position 7, A replaced by T.
Protein change: p.Thr3Ser; replaces threonine 3 with serine.
Molecular consequence: missense variant.
Genome position (GRCh38, 1-based): chr6:70,302,918, T>A on the plus strand (A>T on the coding strand, the complement: COL9A1 is on the minus strand). VCF-style: chr6-70302918-T-A. GRCh37 (hg19) VCF-style: chr6-71012621-T-A.
Other names: c.7A>T, p.Thr3Ser (NM_001377291.1); short protein forms T3S.
Identifiers: ClinVar variation 2010993 (VCV002010993.2), dbSNP rs759851039, ClinGen allele CA3882995.

ClinVar aggregate classification (germline): Uncertain significance (1 of 4 stars; one submission).

Allele frequency attached by ClinVar (database versions not stated): gnomAD 0.00001; TOPMed 0.00001.

Submission:

Labcorp Genetics (formerly Invitae), Labcorp
Classification: Uncertain significance. Last evaluated: 2022-09-06. Review status: criteria provided, single submitter. Criteria: Invitae Variant Classification Sherloc (09022015). Collection method: clinical testing. Allele origin: germline.
Comment: In summary, the available evidence is currently insufficient to determine the role of this variant in disease. Therefore, it has been classified as a Variant of Uncertain Significance. Advanced modeling of protein sequence and biophysical properties (such as structural, functional, and spatial information, amino acid conservation, physicochemical variation, residue mobility, and thermodynamic stability) performed at Invitae indicates that this missense variant is not expected to disrupt COL9A1 protein function. This variant has not been reported in the literature in individuals affected with COL9A1-related conditions. This variant is present in population databases (rs759851039, gnomAD 0.002%). This sequence change replaces threonine, which is neutral and polar, with serine, which is neutral and polar, at codon 3 of the COL9A1 protein (p.Thr3Ser).